The following is an entry in ClinVar:

ClinVar aggregate classification (germline): Likely benign (1 of 4 stars; one submission).

Allele frequency attached by ClinVar (database versions not stated): 1000 Genomes Project 30x 0.00437; 1000 Genomes Project 0.00499; TOPMed 0.00952; gnomAD 0.01071 and 0.01089.
gnomAD v4.1: 1,601 of 151,466 alleles (1.1%); highest among the groups gnomAD compares: Non-Finnish European, 1.9%; 17 homozygotes.

Submission:

GeneDx
Classification: Likely benign. Last evaluated: 2018-06-16. Review status: criteria provided, single submitter. Criteria: GeneDx Variant Classification (06012015). Collection method: clinical testing. Allele origin: germline. Affected: yes.
Comment: This variant is considered likely benign or benign based on one or more of the following criteria: it is a conservative change, it occurs at a poorly conserved position in the protein, it is predicted to be benign by multiple in silico algorithms, and/or has population frequency not consistent with disease.

NM_007078.3(LDB3):c.897-298A>C

Gene: LDB3 (LIM domain binding 3; plus strand). Cytogenetic location: 10q23.2.
Variant type: single nucleotide variant.
Coding change: c.897-298A>C on transcript NM_007078.3 (MANE Select); 298 bases into the intron before coding-DNA position 897, A replaced by C.
Molecular consequence: intron variant.
Genome position (GRCh38, 1-based): chr10:86,706,233, A>C. VCF-style: chr10-86706233-A-C. GRCh37 (hg19) VCF-style: chr10-88465990-A-C.
Other names: c.897-3672A>C (NM_001368064.1, NM_001368065.1); c.1101-3672A>C (NM_001171610.2); c.756-298A>C (NM_001368066.1); c.756-3672A>C (NM_001080114.2).
Identifiers: ClinVar variation 683954 (VCV000683954.1), dbSNP rs117230487, ClinGen allele CA13271510.